The following is an entry in ClinVar:

ClinVar aggregate classification (germline): Uncertain significance (1 of 4 stars; one submission).

Conditions:
Hypertrophic cardiomyopathy. Also called: HYPERTROPHIC MYOCARDIOPATHY. Identifiers: Orphanet 217569, MedGen C0007194, MeSH D002312, MONDO:0005045, HP:0001639.

Submission:

Labcorp Genetics (formerly Invitae), Labcorp
Classification: Uncertain significance for Hypertrophic cardiomyopathy. Last evaluated: 2021-04-23. Review status: criteria provided, single submitter. Criteria: Invitae Variant Classification Sherloc (09022015). Collection method: clinical testing. Allele origin: germline.
Comment: This variant is not present in population databases (ExAC no frequency). This variant has not been reported in the literature in individuals with MYH7-related conditions. Algorithms developed to predict the effect of sequence changes on RNA splicing suggest that this variant may disrupt the consensus splice site, but this prediction has not been confirmed by published transcriptional studies. In summary, the available evidence is currently insufficient to determine the role of this variant in disease. Therefore, it has been classified as a Variant of Uncertain Significance. This sequence change falls in intron 24 of the MYH7 gene. It does not directly change the encoded amino acid sequence of the MYH7 protein, but it affects a nucleotide within the consensus splice site of the intron.

NM_000257.4(MYH7):c.3099+6_3099+8del

Gene: MYH7 (myosin heavy chain 7; minus strand). Cytogenetic location: 14q11.2.
Variant type: Deletion.
Coding change: c.3099+6_3099+8del on transcript NM_000257.4 (MANE Select); bases 6 to 8 of the intron after coding-DNA position 3099, 3 bases deleted (TAG; older notation c.3099+6_3099+8delTAG).
Molecular consequence: intron variant.
Genome position (GRCh38, 1-based): chr14:23,423,539-23,423,541, CTA deleted on the plus strand (TAG on the coding strand, the reverse complement: MYH7 is on the minus strand); deleting any 3 consecutive bases within chr14:23,423,539-23,423,543 gives the same sequence; the c. name uses the placement nearest the transcript's 3' end. VCF-style (leftmost placement, unchanged base first): chr14-23423538-TCTA-T. GRCh37 (hg19) VCF-style: chr14-23892747-TCTA-T.
Identifiers: ClinVar variation 1517067 (VCV001517067.8), dbSNP rs2138662242, ClinGen allele CA2573149857.